The following is an entry in ClinVar:

ClinVar aggregate classification (germline): Uncertain significance. Review status: criteria provided, multiple submitters, no conflicts (2 of 4 stars). 2 submissions from 2 submitters: Uncertain significance (2). Last evaluated 2026-03-02.

Conditions:
POLD1-related polyposis and colorectal cancer syndrome (CRCS10). Also called: Colorectal cancer 10; COLORECTAL CANCER, SUSCEPTIBILITY TO, ON CHROMOSOME 19q; Colorectal cancer, susceptibility to, 10. Identifiers: Orphanet 220460, MedGen C2675481, MONDO:0012953, OMIM 612591.
Hereditary cancer-predisposing syndrome. Also called: Neoplastic Syndromes, Hereditary; Tumor predisposition; Hereditary Cancer Syndrome; Hereditary neoplastic syndrome. Identifiers: Orphanet 140162, MedGen C0027672, MeSH D009386, MONDO:0015356.

Submissions (2):

Ambry Genetics
Classification: Uncertain significance for Hereditary cancer-predisposing syndrome. Last evaluated: 2026-03-02. Review status: criteria provided, single submitter. Criteria: Ambry Variant Classification Scheme 2023. Collection method: clinical testing. Allele origin: germline.
Comment: The c.589+2dupT intronic variant, results from the duplication of a single nucleotide (T) at position 589+2 within intron 4 of the POLD1 gene. This variant does not change the sequence of the canonical donor at this splice site. This nucleotide position is highly conserved in available vertebrate species. In silico splice site analysis for this alteration is inconclusive. Based on the available evidence, the clinical significance of this variant remains unclear.

Labcorp Genetics (formerly Invitae), Labcorp
Classification: Uncertain significance for POLD1-related polyposis and colorectal cancer syndrome. Last evaluated: 2024-03-30. Review status: criteria provided, single submitter. Criteria: Invitae Variant Classification Sherloc (09022015). Collection method: clinical testing. Allele origin: germline.
Comment: This sequence change falls in intron 5 of the POLD1 gene. It does not directly change the encoded amino acid sequence of the POLD1 protein. It affects a nucleotide within the consensus splice site. This variant is not present in population databases (gnomAD no frequency). This variant has not been reported in the literature in individuals affected with POLD1-related conditions. Variants that disrupt the consensus splice site are a relatively common cause of aberrant splicing (PMID: 17576681, 9536098). Algorithms developed to predict the effect of sequence changes on RNA splicing suggest that this variant may disrupt the consensus splice site. In summary, the available evidence is currently insufficient to determine the role of this variant in disease. Therefore, it has been classified as a Variant of Uncertain Significance.

Literature cited by the submitters: PubMed 17576681 (cited by Labcorp Genetics (formerly Invitae), Labcorp); PubMed 9536098 (cited by Labcorp Genetics (formerly Invitae), Labcorp).

NM_002691.4(POLD1):c.589+2dup

Gene: POLD1 (DNA polymerase delta 1, catalytic subunit; plus strand). Cytogenetic location: 19q13.33.
Variant type: Duplication.
Coding change: c.589+2dup on transcript NM_002691.4 (MANE Select); the canonical splice donor site of the intron after coding-DNA position 589, one base duplicated (T; older notation c.589+2dupT).
Molecular consequence: splice donor variant.
Genome position (GRCh38, 1-based): chr19:50,402,126, T duplicated. VCF-style (leftmost placement, unchanged base first): chr19-50402125-G-GT. GRCh37 (hg19) VCF-style: chr19-50905382-G-GT.
Other names: c.589+2dup (NM_001256849.1, NM_001308632.1); c.589+2dupT (NM_002691.2).
Identifiers: ClinVar variation 3692751 (VCV003692751.3).